The following is an entry in ClinVar:

NM_020436.5(SALL4):c.2810A>G (p.Asn937Ser)

Gene: SALL4 (spalt like transcription factor 4; minus strand). Cytogenetic location: 20q13.2.
Variant type: single nucleotide variant.
Coding change: c.2810A>G on transcript NM_020436.5 (MANE Select); coding-DNA position 2810, A replaced by G.
Protein change: p.Asn937Ser; replaces asparagine 937 with serine.
Molecular consequence: missense variant.
Genome position (GRCh38, 1-based): chr20:51,784,617, T>C on the plus strand (A>G on the coding strand, the complement: SALL4 is on the minus strand). VCF-style: chr20-51784617-T-C. GRCh37 (hg19) VCF-style: chr20-50401156-T-C.
Other names: c.1499A>G, p.Asn500Ser (NM_001318031.2); short protein forms N500S, N937S.
Identifiers: ClinVar variation 4711579 (VCV004711579.1).

ClinVar aggregate classification (germline): Uncertain significance (1 of 4 stars; one submission).

Conditions:
Duane-radial ray syndrome (DRRS). Also called: ACRORENOOCULAR SYNDROME; DR SYNDROME; DUANE ANOMALY WITH RADIAL RAY ABNORMALITIES AND DEAFNESS; Okihiro Syndrome; Duane-Radial Ray Syndrome/Okihiro Syndrome; Duane-Radial Ray Syndrome (DRRS) / Okihiro Syndrome. Identifiers: Orphanet 93293, Orphanet 959, MedGen C1623209, MONDO:0011812, OMIM 607323. Disease mechanism: gain of function.

gnomAD v4.1: 9 of 1,614,100 alleles (0.00056%); highest among the groups gnomAD compares: Admixed American, 0.015%; no homozygotes.

Submission:

Labcorp Genetics (formerly Invitae), Labcorp
Classification: Uncertain significance for Duane-radial ray syndrome. Last evaluated: 2025-06-18. Review status: criteria provided, single submitter. Criteria: Invitae Variant Classification Sherloc (09022015). Collection method: clinical testing. Allele origin: germline.
Comment: This sequence change replaces asparagine, which is neutral and polar, with serine, which is neutral and polar, at codon 937 of the SALL4 protein (p.Asn937Ser). This variant is present in population databases (rs774221481, gnomAD 0.02%). This variant has not been reported in the literature in individuals affected with SALL4-related conditions. An algorithm developed to predict the effect of missense changes on protein structure and function (PolyPhen-2) suggests that this variant is likely to be disruptive. In summary, the available evidence is currently insufficient to determine the role of this variant in disease. Therefore, it has been classified as a Variant of Uncertain Significance.